The following is an entry in ClinVar:

NM_000053.4(ATP7B):c.1913C>T (p.Ala638Val)

Gene: ATP7B (ATPase copper transporting beta; minus strand). Cytogenetic location: 13q14.3.
Variant type: single nucleotide variant.
Coding change: c.1913C>T on transcript NM_000053.4 (MANE Select); coding-DNA position 1913, C replaced by T.
Protein change: p.Ala638Val; replaces alanine 638 with valine.
Molecular consequence: missense variant. On other transcripts: intron variant (13).
Genome position (GRCh38, 1-based): chr13:51,961,870, G>A on the plus strand (C>T on the coding strand, the complement: ATP7B is on the minus strand). VCF-style: chr13-51961870-G-A. GRCh37 (hg19) VCF-style: chr13-52536006-G-A.
Other names: c.1580C>T, p.Ala527Val (NM_001243182.2); c.1913C>T, p.Ala638Val (NM_001330578.2, NM_001406511.1, NM_001406512.1 and 16 more transcripts); c.1880C>T, p.Ala627Val (NM_001406514.1, NM_001406524.1); c.1817C>T, p.Ala606Val (NM_001406517.1, NM_001406518.1, NM_001406530.1 and 1 more transcripts); c.1484C>T, p.Ala495Val (NM_001406539.1); c.1869+3002C>T (NM_001406541.1, NM_001406531.1, NM_001406532.1 and 5 more transcripts); c.1773+3002C>T (NM_001406543.1, NM_001406544.1); c.1286-11709C>T (NM_001406548.1); and 1 more; short protein forms A495V, A527V, A606V, A627V, A638V.
Identifiers: ClinVar variation 3071314 (VCV003071314.2), dbSNP rs373145351, ClinGen allele CA6989175.

ClinVar aggregate classification (germline): Uncertain significance. Review status: criteria provided, multiple submitters, no conflicts (2 of 4 stars). 2 submissions from 2 submitters: Uncertain significance (2). Last evaluated 2024-03-07.

Conditions:
Wilson disease (WND). Also called: Wilson's disease. Identifiers: Orphanet 905, MedGen C0019202, MONDO:0010200, OMIM 277900. Disease mechanism: loss of function.

Allele frequency attached by ClinVar (database versions not stated): TOPMed below 0.00001; gnomAD 0.00001; ExAC 0.00002; ESP Exome Variant Server 0.00008; 1000 Genomes Project 0.00020; 1000 Genomes Project 30x 0.00031.
gnomAD v4.1: 2 of 1,614,078 alleles (0.00012%); highest among the groups gnomAD compares: African/African-American, 0.0027%; no homozygotes.

Submissions (2):

Color Diagnostics, LLC DBA Color Health
Classification: Uncertain significance for Wilson disease. Last evaluated: 2024-03-07. Review status: criteria provided, single submitter. Criteria: ACMG Guidelines, 2015. Collection method: clinical testing. Allele origin: germline.
Comment: This missense variant replaces alanine with valine at codon 638 of the ATP7B protein. Computational prediction suggests that this variant may not impact protein structure and function. To our knowledge, functional studies have not been reported for this variant. This variant has not been reported in individuals affected with Wilson disease in the literature. This variant has been identified in 2/249582 chromosomes in the general population by the Genome Aggregation Database (gnomAD). The available evidence is insufficient to determine the role of this variant in disease conclusively. Therefore, this variant is classified as a Variant of Uncertain Significance.

All of Us Research Program, National Institutes of Health
Classification: Uncertain significance for Wilson disease. Last evaluated: 2023-05-30. Review status: criteria provided, single submitter. Criteria: ACMG Guidelines, 2015. Collection method: clinical testing. Allele origin: germline. Inheritance: Autosomal recessive inheritance. Observed: 1 variant allele, 1 heterozygote.
Comment: This missense variant replaces alanine with valine at codon 638 of the ATP7B protein. Computational prediction suggests that this variant may not impact protein structure and function (internally defined REVEL score threshold <= 0.5, PMID: 27666373). To our knowledge, functional studies have not been reported for this variant. This variant has not been reported in individuals affected with Wilson disease in the literature. This variant has been identified in 2/249582 chromosomes in the general population by the Genome Aggregation Database (gnomAD). The available evidence is insufficient to determine the role of this variant in disease conclusively. Therefore, this variant is classified as a Variant of Uncertain Significance.

This study involves interpretation of variants in research participants for the purpose of population health screening. Participant phenotype was not available at the time of variant classification. Additional details can be found in publication PMID: 35346344, PMCID: PMC8962531